The following is an entry in ClinVar:

ClinVar aggregate classification (germline): Conflicting classifications of pathogenicity. Review status: criteria provided, conflicting classifications (1 of 4 stars). 3 submissions from 3 submitters: Uncertain significance (2); Likely benign (1). Last evaluated 2025-01-03.

Conditions:
Cornelia de Lange syndrome 1 (CDLS1). Also called: Brachmann de Lange syndrome; NIPBL-Related Cornelia de Lange Syndrome; TYPUS DEGENERATIVUS AMSTELODAMENSIS. Identifiers: Orphanet 199, MedGen C4551851, MONDO:0007387, OMIM 122470.

Allele frequency attached by ClinVar (database versions not stated): gnomAD exomes below 0.00001.
gnomAD v4.1: 1 of 1,613,466 alleles (0.000062%); highest among the groups gnomAD compares: Admixed American, 0.0017%; no homozygotes.

Submissions (3):

Dasa
Classification: Uncertain significance for Cornelia de Lange syndrome 1. Last evaluated: 2025-01-03. Review status: criteria provided, single submitter. Criteria: DASA Assertion Criteria. Collection method: clinical testing. Allele origin: germline.
Comment: NM_133433.4(NIPBL):c.6975T>C (p.Ala2325=) is a synonymous variant predicted not to alter the encoded amino acid sequence. This variant is rare in population databases. The currently available literature and clinical evidence are not sufficient to establish a definitive association between this variant and the reported condition. Therefore, this variant is classified as a variant of uncertain significance.

Labcorp Genetics (formerly Invitae), Labcorp
Classification: Likely benign for Cornelia de Lange syndrome 1. Last evaluated: 2024-06-17. Review status: criteria provided, single submitter. Criteria: Invitae Variant Classification Sherloc (09022015). Collection method: clinical testing. Allele origin: germline.

Laboratorio de Genetica e Diagnostico Molecular, Hospital Israelita Albert Einstein
Classification: Uncertain significance. Last evaluated: 2021-07-08. Review status: criteria provided, single submitter. Criteria: ACMG Guidelines, 2015. Collection method: clinical testing. Allele origin: germline. Affected: yes.
Comment: ACMG classification criteria: PM2, BP7

NM_133433.4(NIPBL):c.6975T>C (p.Ala2325=)

Gene: NIPBL (NIPBL cohesin loading factor; plus strand). Cytogenetic location: 5p13.2.
Variant type: single nucleotide variant.
Coding change: c.6975T>C on transcript NM_133433.4 (MANE Select); coding-DNA position 6975, T replaced by C.
Protein change: p.Ala2325=; no amino-acid change (alanine 2325 retained).
Molecular consequence: synonymous variant.
Genome position (GRCh38, 1-based): chr5:37,051,799, T>C. VCF-style: chr5-37051799-T-C. GRCh37 (hg19) VCF-style: chr5-37051901-T-C.
Other names: c.6975T>C, p.Ala2325= (NM_015384.5).
Identifiers: ClinVar variation 1691033 (VCV001691033.6), dbSNP rs1400161680, ClinGen allele CA443909429.